The following is an entry in ClinVar:

ClinVar aggregate classification (germline): Likely pathogenic (1 of 4 stars; one submission).

Conditions:
Dilated cardiomyopathy 1G (CMD1G). Identifiers: Orphanet 154, MedGen C1858763, MONDO:0011400, OMIM 604145.
Autosomal recessive limb-girdle muscular dystrophy type 2J (LGMDR10). Also called: Limb-girdle muscular dystrophy, type 2J; MUSCULAR DYSTROPHY, LIMB-GIRDLE, AUTOSOMAL RECESSIVE 10. Identifiers: Orphanet 140922, MedGen C1837342, MONDO:0012127, OMIM 608807.

Submission:

Labcorp Genetics (formerly Invitae), Labcorp
Classification: Likely pathogenic for Dilated cardiomyopathy 1G; Autosomal recessive limb-girdle muscular dystrophy type 2J. Last evaluated: 2024-04-06. Review status: criteria provided, single submitter. Criteria: Invitae Variant Classification Sherloc (09022015). Collection method: clinical testing. Allele origin: germline.
Comment: This sequence change creates a premature translational stop signal (p.Lys23586Glufs*12) in the TTN gene. While this is not anticipated to result in nonsense mediated decay, it is expected to create a truncated TTN protein. This variant is not present in population databases (gnomAD no frequency). This variant has not been reported in the literature in individuals affected with TTN-related conditions. This variant is located in the A band of TTN (PMID: 25589632). Truncating variants in this region are significantly overrepresented in patients affected with dilated cardiomyopathy (PMID: 25589632). Truncating variants in this region have also been reported in individuals affected with autosomal recessive centronuclear myopathy (PMID: 23975875). In summary, the currently available evidence indicates that the variant is pathogenic, but additional data are needed to prove that conclusively. Therefore, this variant has been classified as Likely Pathogenic.

Literature cited by the submitters: PubMed 25589632; PubMed 23975875.

NM_001267550.2(TTN):c.70754dup (p.Lys23586fs)

Genes: TTN-AS1 (TTN antisense RNA 1; plus strand), TTN (titin; minus strand). Cytogenetic location: 2q31.2.
Variant type: Duplication.
Coding change: c.70754dup on transcript NM_001267550.2 (MANE Select); coding-DNA position 70754, one base duplicated (T; older notation c.70754dupT).
Protein change: p.Lys23586fs; shifts the reading frame from lysine 23586.
Molecular consequence: frameshift variant.
Genome position (GRCh38, 1-based): chr2:178,575,378, A duplicated on the plus strand (T on the coding strand, the reverse complement: TTN is on the minus strand). VCF-style (leftmost placement, unchanged base first): chr2-178575377-C-CA. GRCh37 (hg19) VCF-style: chr2-179440104-C-CA.
Other names: c.65831dup, p.Lys21945fs (NM_001256850.1); c.43559dup, p.Lys14521fs (NM_003319.4); c.63050dup, p.Lys21018fs (NM_133378.4); c.43934dup, p.Lys14646fs (NM_133432.3); c.44135dup, p.Lys14713fs (NM_133437.4); short protein forms K14521fs, K14646fs, K14713fs, K21018fs, K21945fs, K23586fs.
Identifiers: ClinVar variation 3755719 (VCV003755719.2).